The following is an entry in ClinVar:

ClinVar aggregate classification (germline): Conflicting classifications of pathogenicity. Review status: criteria provided, conflicting classifications (1 of 4 stars). 6 submissions from 5 submitters: Uncertain significance (2); Likely benign (4). Last evaluated 2026-02-02.

Conditions:
Hypercholesterolemia, autosomal dominant, type B (FHCL2). Also called: APOB-Related Familial Hypercholesterolemia, Autosomal Dominant; APOLIPOPROTEIN B-100, FAMILIAL DEFECTIVE; APOLIPOPROTEIN B-100, FAMILIAL LIGAND-DEFECTIVE; Hyperlipoproteinemia Type IIb; Familial hypercholesterolemia 2; HYPERCHOLESTEROLEMIA, FAMILIAL, DUE TO LIGAND-DEFECTIVE APOLIPOPROTEIN B. Identifiers: MedGen C1704417, MONDO:0007751, OMIM 144010.
Familial hypobetalipoproteinemia 1. Also called: APOB-Related Familial Hypobetalipoproteinemia; Hypobetalipoproteinemia, normotriglyceridemic; Acanthocytosis with hypobetalipoproteinemia. Identifiers: MedGen C4551990, MONDO:0014252, OMIM 615558.
Cardiovascular phenotype. Identifiers: MedGen CN230736.

Allele frequency attached by ClinVar (database versions not stated): gnomAD 0.00001 and 0.00003; gnomAD exomes 0.00008; ExAC 0.00011; 1000 Genomes Project 30x 0.00016; 1000 Genomes Project 0.00020.
gnomAD v4.1: 53 of 1,614,170 alleles (0.0033%); highest among the groups gnomAD compares: South Asian, 0.038%; 1 homozygote.

Submissions (6):

Labcorp Genetics (formerly Invitae), Labcorp
Classification: Likely benign for Familial hypobetalipoproteinemia 1; Hypercholesterolemia, autosomal dominant, type B. Last evaluated: 2026-02-02. Review status: criteria provided, single submitter. Criteria: Invitae Variant Classification Sherloc (09022015). Collection method: clinical testing. Allele origin: germline.

Blueprint Genetics
Classification: Likely benign. Last evaluated: 2024-08-06. Review status: criteria provided, single submitter. Criteria: ACMG Guidelines, 2015. Collection method: clinical testing. Allele origin: germline.

CeGaT Center for Human Genetics Tuebingen
Classification: Likely benign. Last evaluated: 2024-04-01. Review status: criteria provided, single submitter. Criteria: CeGaT Center For Human Genetics Tuebingen Variant Classification Criteria Version 2. Collection method: clinical testing. Allele origin: germline. Affected: yes. Observed: 1 variant allele.
Comment: APOB: BP4, BP7

Ambry Genetics
Classification: Likely benign for Cardiovascular phenotype. Last evaluated: 2022-05-27. Review status: criteria provided, single submitter. Criteria: Ambry Variant Classification Scheme 2023. Collection method: clinical testing. Allele origin: germline.

Illumina Laboratory Services, Illumina
Classification: Uncertain significance for Hypercholesterolemia, autosomal dominant, type B. Last evaluated: 2018-01-13. Review status: criteria provided, single submitter. Criteria: ICSL Variant Classification Criteria 13 December 2019. Collection method: clinical testing. Allele origin: germline.

Illumina Laboratory Services, Illumina
Classification: Uncertain significance for Familial hypobetalipoproteinemia 1. Last evaluated: 2018-01-13. Review status: criteria provided, single submitter. Criteria: ICSL Variant Classification Criteria 13 December 2019. Collection method: clinical testing. Allele origin: germline.

NM_000384.3(APOB):c.4411T>C (p.Leu1471=)

Gene: APOB (apolipoprotein B; minus strand). Cytogenetic location: 2p24.1.
Variant type: single nucleotide variant.
Coding change: c.4411T>C on transcript NM_000384.3 (MANE Select); coding-DNA position 4411, T replaced by C.
Protein change: p.Leu1471=; no amino-acid change (leucine 1471 retained).
Molecular consequence: synonymous variant.
Genome position (GRCh38, 1-based): chr2:21,012,457, A>G on the plus strand (T>C on the coding strand, the complement: APOB is on the minus strand). VCF-style: chr2-21012457-A-G. GRCh37 (hg19) VCF-style: chr2-21235329-A-G.
Identifiers: ClinVar variation 751604 (VCV000751604.40), dbSNP rs542169352, ClinGen allele CA060969.
Genomic context (GRCh38, chr2:21,012,457, plus strand): 5'-TGAACTGCCCATCAATCTTGACTTCTTTGACAAACAAATGCTGTTTCTTTTTGGAGTCCA[A>G]ATGAACTGAAGCAGACATCTGTGGTCCCCAGGAACTAGATGCATCGAATATTAGTAAACC-3'
Protein context (NP_000375.3, residues 1461-1481): WGPQMSASVH[Leu1471=]DSKKKQHLFV